The following is an entry in ClinVar:

NM_003060.4(SLC22A5):c.1343T>G (p.Val448Gly)

Gene: SLC22A5 (solute carrier family 22 member 5; plus strand). Cytogenetic location: 5q31.1.
Variant type: single nucleotide variant.
Coding change: c.1343T>G on transcript NM_003060.4 (MANE Select); coding-DNA position 1343, T replaced by G.
Protein change: p.Val448Gly; replaces valine 448 with glycine.
Molecular consequence: missense variant.
Genome position (GRCh38, 1-based): chr5:132,392,508, T>G. VCF-style: chr5-132392508-T-G. GRCh37 (hg19) VCF-style: chr5-131728200-T-G.
Other names: c.1415T>G, p.Val472Gly (NM_001308122.2); short protein forms V448G, V472G.
Identifiers: ClinVar variation 3251631 (VCV003251631.1), dbSNP rs2532138353.

ClinVar aggregate classification (germline): Uncertain significance (1 of 4 stars; one submission).

Submission:

Women's Health and Genetics/Laboratory Corporation of America, LabCorp
Classification: Uncertain significance. Last evaluated: 2024-04-01. Review status: criteria provided, single submitter. Criteria: LabCorp Variant Classification Summary - May 2015. Collection method: clinical testing. Allele origin: germline.
Comment: Variant summary: SLC22A5 c.1343T>G (p.Val448Gly) results in a non-conservative amino acid change located in the Major facilitator superfamily domain (IPR020846) of the encoded protein sequence. Three of five in-silico tools predict a damaging effect of the variant on protein function. The variant was absent in 251490 control chromosomes (gnomAD). The available data on variant occurrences in the general population are insufficient to allow any conclusion about variant significance. c.1343T>G has been reported in the literature in at-least one individual affected with Primary Carnitine Deficiency (example: Yang_2013). These data do not allow any conclusion about variant significance. To our knowledge, no experimental evidence demonstrating an impact on protein function has been reported. The following publication has been ascertained in the context of this evaluation (PMID: 34249102). No submitters have cited clinical-significance assessments for this variant to ClinVar. Based on the evidence outlined above, the variant was classified as uncertain significance.

Literature cited by the submitters: PubMed 34249102.